The following is an entry in ClinVar:

NM_000465.4(BARD1):c.360G>C (p.Leu120=)

Gene: BARD1 (BRCA1 associated RING domain 1; minus strand). Cytogenetic location: 2q35.
Variant type: single nucleotide variant.
Coding change: c.360G>C on transcript NM_000465.4 (MANE Select); coding-DNA position 360, G replaced by C.
Protein change: p.Leu120=; no amino-acid change (leucine 120 retained).
Molecular consequence: synonymous variant. On other transcripts: non-coding transcript variant (1), intron variant (2).
Genome position (GRCh38, 1-based): chr2:214,792,301, C>G on the plus strand (G>C on the coding strand, the complement: BARD1 is on the minus strand). VCF-style: chr2-214792301-C-G. GRCh37 (hg19) VCF-style: chr2-215657025-C-G.
Other names: c.303G>C, p.Leu101= (NM_001282543.2); c.360G>C, p.Leu120= (NM_001282549.2); c.158+17111G>C (NM_001282548.2); c.215+4760G>C (NM_001282545.2); c.360G>C (NM_000465.2).
Identifiers: ClinVar variation 3378875 (VCV003378875.2).

ClinVar aggregate classification (germline): Benign/Likely benign. Review status: criteria provided, multiple submitters, no conflicts (2 of 4 stars). 2 submissions from 2 submitters: Benign (1); Likely benign (1). Last evaluated 2026-08-18.

Conditions:
Familial cancer of breast. Also called: Hereditary breast cancer; BREAST CANCER, FAMILIAL; hereditary breast carcinoma. Identifiers: Orphanet 227535, MedGen C0346153, MONDO:0016419, OMIM 114480. Disease mechanism: loss of function.
Hereditary cancer-predisposing syndrome. Also called: Tumor predisposition; Hereditary Cancer Syndrome; Hereditary neoplastic syndrome; Neoplastic Syndromes, Hereditary. Identifiers: Orphanet 140162, MedGen C0027672, MeSH D009386, MONDO:0015356.

Submissions (2):

Ambry Genetics
Classification: Likely benign for Hereditary cancer-predisposing syndrome. Last evaluated: 2026-08-18. Review status: criteria provided, single submitter. Criteria: Ambry Variant Classification Scheme 2023. Collection method: clinical testing. Allele origin: germline.

Myriad Genetics, Inc.
Classification: Benign for Familial cancer of breast. Last evaluated: 2024-07-19. Review status: criteria provided, single submitter. Criteria: Myriad Autosomal Dominant, Autosomal Recessive and X-Linked Classification Criteria (2023). Collection method: clinical testing. Allele origin: unknown.
Comment: This variant is considered benign. This variant is a silent/synonymous amino acid change and it is not expected to impact splicing.